The following is an entry in ClinVar:

NM_000380.4(XPA):c.338_339del (p.Met113fs)

Gene: XPA (XPA, DNA damage recognition and repair factor; minus strand). Cytogenetic location: 9q22.33.
Variant type: Deletion.
Coding change: c.338_339del on transcript NM_000380.4 (MANE Select); coding-DNA positions 338 to 339, 2 bases deleted (TG; older notation c.338_339delTG).
Protein change: p.Met113fs; shifts the reading frame from methionine 113.
Molecular consequence: frameshift variant. On other transcripts: non-coding transcript variant (2).
Genome position (GRCh38, 1-based): chr9:97,689,584-97,689,585, CA deleted on the plus strand (TG on the coding strand, the reverse complement: XPA is on the minus strand). VCF-style (leftmost placement, unchanged base first): chr9-97689583-CCA-C. GRCh37 (hg19) VCF-style: chr9-100451865-CCA-C.
Other names: c.212_213del, p.Met71fs (NM_001354975.2); c.338_339delTG (NM_000380.3); short protein forms M113fs, M71fs.
Identifiers: ClinVar variation 553390 (VCV000553390.7), dbSNP rs748286715, ClinGen allele CA5148839.

ClinVar aggregate classification (germline): Pathogenic. Review status: criteria provided, single submitter (1 of 4 stars). 2 submissions from 2 submitters: Pathogenic (1). 1 of the submissions does not count toward it. Last evaluated 2021-06-30.

Conditions:
Xeroderma pigmentosum group A (XPA). Also called: XPA-Related Xeroderma Pigmentosum; Xeroderma pigmentosum, complementation group A; XP, group A. Identifiers: Orphanet 910, MedGen C0268135, MONDO:0010210, OMIM 278700.

Allele frequency attached by ClinVar (database versions not stated): ExAC 0.00001; gnomAD exomes 0.00001.

Submissions (2):

Labcorp Genetics (formerly Invitae), Labcorp
Classification: Pathogenic. Last evaluated: 2021-06-30. Review status: criteria provided, single submitter. Criteria: Invitae Variant Classification Sherloc (09022015). Collection method: clinical testing. Allele origin: germline.
Comment: This sequence change creates a premature translational stop signal (p.Met113Argfs*9) in the XPA gene. It is expected to result in an absent or disrupted protein product. Loss-of-function variants in XPA are known to be pathogenic (PMID: 27607234). This variant is present in population databases (rs748286715, ExAC 0.002%). This variant has not been reported in the literature in individuals affected with XPA-related conditions. ClinVar contains an entry for this variant (Variation ID: 553390). For these reasons, this variant has been classified as Pathogenic.

Counsyl
Classification: Likely pathogenic for Xeroderma pigmentosum group A. Last evaluated: 2017-08-24. Review status: no assertion criteria provided. Collection method: clinical testing. Allele origin: unknown. Not counted in ClinVar's aggregate classification.

Literature cited by the submitters: PubMed 27607234 (cited by Labcorp Genetics (formerly Invitae), Labcorp).